The following is an entry in ClinVar:

ClinVar aggregate classification (germline): Uncertain significance. Review status: criteria provided, multiple submitters, no conflicts (2 of 4 stars). 2 submissions from 2 submitters: Uncertain significance (2). Last evaluated 2023-12-29.

Conditions:
Hereditary cancer-predisposing syndrome. Also called: Neoplastic Syndromes, Hereditary; Hereditary Cancer Syndrome; Hereditary neoplastic syndrome; Tumor predisposition. Identifiers: Orphanet 140162, MedGen C0027672, MeSH D009386, MONDO:0015356.
Renal cell carcinoma. Identifiers: Orphanet 217071, MedGen C0007134, MeSH D002292, MONDO:0005086, HP:0005584.

Submissions (2):

Ambry Genetics
Classification: Uncertain significance for Hereditary cancer-predisposing syndrome. Last evaluated: 2023-12-29. Review status: criteria provided, single submitter. Criteria: Ambry Variant Classification Scheme 2023. Collection method: clinical testing. Allele origin: germline.
Comment: The p.F839C variant (also known as c.2516T>G), located in coding exon 10 of the MET gene, results from a T to G substitution at nucleotide position 2516. The phenylalanine at codon 839 is replaced by cysteine, an amino acid with highly dissimilar properties. This amino acid position is conserved. In addition, this alteration is predicted to be deleterious by in silico analysis. Since supporting evidence is limited at this time, the clinical significance of this alteration remains unclear.

Labcorp Genetics (formerly Invitae), Labcorp
Classification: Uncertain significance for Renal cell carcinoma. Last evaluated: 2023-10-17. Review status: criteria provided, single submitter. Criteria: Invitae Variant Classification Sherloc (09022015). Collection method: clinical testing. Allele origin: germline.
Comment: This sequence change replaces phenylalanine, which is neutral and non-polar, with cysteine, which is neutral and slightly polar, at codon 839 of the MET protein (p.Phe839Cys). This variant is not present in population databases (gnomAD no frequency). This variant has not been reported in the literature in individuals affected with MET-related conditions. Advanced modeling of protein sequence and biophysical properties (such as structural, functional, and spatial information, amino acid conservation, physicochemical variation, residue mobility, and thermodynamic stability) performed at Invitae indicates that this missense variant is expected to disrupt MET protein function. In summary, the available evidence is currently insufficient to determine the role of this variant in disease. Therefore, it has been classified as a Variant of Uncertain Significance.

NM_000245.4(MET):c.2462T>G (p.Phe821Cys)

Gene: MET (MET proto-oncogene, receptor tyrosine kinase; plus strand). Cytogenetic location: 7q31.2.
Variant type: single nucleotide variant.
Coding change: c.2462T>G on transcript NM_000245.4 (MANE Select); coding-DNA position 2462, T replaced by G.
Protein change: p.Phe821Cys; replaces phenylalanine 821 with cysteine.
Molecular consequence: missense variant.
Genome position (GRCh38, 1-based): chr7:116,763,147, T>G. VCF-style: chr7-116763147-T-G. GRCh37 (hg19) VCF-style: chr7-116403201-T-G.
Other names: c.2516T>G, p.Phe839Cys (NM_001127500.3); c.2462T>G, p.Phe821Cys (NM_001324401.3); c.1172T>G, p.Phe391Cys (NM_001324402.2); short protein forms F821C, F391C, F839C.
Identifiers: ClinVar variation 2872598 (VCV002872598.4), dbSNP rs2116955523, ClinGen allele CA368983294.